The following is an entry in ClinVar:

ClinVar aggregate classification (germline): Uncertain significance (0 of 4 stars; one submission).

Conditions:
Situs inversus. Also called: Situs inversus totalis. Identifiers: Orphanet 101063, MedGen C4551493, MONDO:0010029, HP:0001696.
Bronchiectasis. Identifiers: MedGen C0006267, MONDO:0004822, HP:0002110.
Male infertility. Identifiers: MedGen C0021364, MeSH D007248, MONDO:0005372, HP:0003251.
Recurrent sinusitis. Identifiers: MedGen C0581354, HP:0011108.
Recurrent otitis media. Identifiers: MedGen C0747085, HP:0000403.

Allele frequency attached by ClinVar (database versions not stated): gnomAD exomes below 0.00001.
gnomAD v4.1: 1 of 1,566,128 alleles (0.000064%); highest among the groups gnomAD compares: Non-Finnish European, 0.000086%; no homozygotes.

Submission:

Research Unit of Respiratory Disease, The Second Xiangya Hospital of Central South University
Classification: Uncertain significance for Male infertility; Situs inversus; Bronchiectasis; Recurrent sinusitis; Recurrent otitis media. Last evaluated: 2020-10-20. Review status: no assertion criteria provided. Collection method: research. Allele origin: paternal. Inheritance: Autosomal recessive inheritance. Affected: yes. Observed: 1 variant allele, 1 compound heterozygote.
Comment: Whole exome and Sanger sequencing identified a homozygous missense variant ( NM_018963.5:c.166G>A, p.(Gly56Ser) in the BRWD1 gene in a consanguineous family. The variant was absent in the 1000 Genomes Project (1000G), the NHLBI â€œGrand Opportunityâ€ Exome Sequencing Project (GO-ESP). The two variants were predicted to be deleterious by Mutation taster, SIFT, PolyPhen-2, and CADD (PHRED-scaled score = 32). According to the American College of Medical Genetics and Genomics (ACMG) guideline interpretation, this missense variant in BRWD1 was evaluated as uncertain significance. This is the first report of BRWD1 gene links to the MMAF and likely PCD phenotype.

NM_033656.4(BRWD1):c.166G>A (p.Gly56Ser)

Genes: BRWD1 (bromodomain and WD repeat domain containing 1; minus strand), LOC130066680 (ATAC-STARR-seq lymphoblastoid silent region 13322; plus strand). Cytogenetic location: 21q22.2.
Variant type: single nucleotide variant.
Coding change: c.166G>A on transcript NM_033656.4 (MANE Select); coding-DNA position 166, G replaced by A.
Protein change: p.Gly56Ser; replaces glycine 56 with serine.
Molecular consequence: missense variant.
Genome position (GRCh38, 1-based): chr21:39,312,873, C>T on the plus strand (G>A on the coding strand, the complement: BRWD1 is on the minus strand). VCF-style: chr21-39312873-C-T. GRCh37 (hg19) VCF-style: chr21-40684799-C-T.
Other names: c.166G>A, p.Gly56Ser (NM_001007246.3, NM_018963.5); short protein forms G56S.
Identifiers: ClinVar variation 982435 (VCV000982435.2), dbSNP rs2146817189, ClinGen allele CA410281832.